The following is an entry in ClinVar:

ClinVar aggregate classification (germline): Uncertain significance (1 of 4 stars; one submission).

gnomAD v4.1: 4 of 1,607,312 alleles (0.00025%); highest among the groups gnomAD compares: Middle Eastern, 0.017%; no homozygotes.

Submission:

Labcorp Genetics (formerly Invitae), Labcorp
Classification: Uncertain significance. Last evaluated: 2022-08-22. Review status: criteria provided, single submitter. Criteria: Invitae Variant Classification Sherloc (09022015). Collection method: clinical testing. Allele origin: germline.
Comment: This sequence change replaces proline, which is neutral and non-polar, with threonine, which is neutral and polar, at codon 650 of the NBAS protein (p.Pro650Thr). This variant is not present in population databases (gnomAD no frequency). This variant has not been reported in the literature in individuals affected with NBAS-related conditions. Algorithms developed to predict the effect of missense changes on protein structure and function output the following: SIFT: "Tolerated"; PolyPhen-2: "Benign"; Align-GVGD: "Class C0". The threonine amino acid residue is found in multiple mammalian species, which suggests that this missense change does not adversely affect protein function. In summary, the available evidence is currently insufficient to determine the role of this variant in disease. Therefore, it has been classified as a Variant of Uncertain Significance.

NM_015909.4(NBAS):c.1948C>A (p.Pro650Thr)

Gene: NBAS (NBAS subunit of NRZ tethering complex; minus strand). Cytogenetic location: 2p24.3.
Variant type: single nucleotide variant.
Coding change: c.1948C>A on transcript NM_015909.4 (MANE Select); coding-DNA position 1948, C replaced by A.
Protein change: p.Pro650Thr; replaces proline 650 with threonine.
Molecular consequence: missense variant. On other transcripts: non-coding transcript variant (1).
Genome position (GRCh38, 1-based): chr2:15,467,734, G>T on the plus strand (C>A on the coding strand, the complement: NBAS is on the minus strand). VCF-style: chr2-15467734-G-T. GRCh37 (hg19) VCF-style: chr2-15607858-G-T.
Other names: short protein forms P650T.
Identifiers: ClinVar variation 2421453 (VCV002421453.3), dbSNP rs558233705, ClinGen allele CA42624781.